The following is an entry in ClinVar:

NM_015512.5(DNAH1):c.5584G>C (p.Gly1862Arg)

Gene: DNAH1 (dynein axonemal heavy chain 1; plus strand). Cytogenetic location: 3p21.1.
Variant type: single nucleotide variant.
Coding change: c.5584G>C on transcript NM_015512.5 (MANE Select); coding-DNA position 5584, G replaced by C.
Protein change: p.Gly1862Arg; replaces glycine 1862 with arginine.
Molecular consequence: missense variant.
Genome position (GRCh38, 1-based): chr3:52,366,522, G>C. VCF-style: chr3-52366522-G-C. GRCh37 (hg19) VCF-style: chr3-52400538-G-C.
Other names: short protein forms G1862R.
Identifiers: ClinVar variation 941580 (VCV000941580.4), dbSNP rs374197097, ClinGen allele CA2434257.
Genomic context (GRCh38, chr3:52,366,522, plus strand): 5'-CTGACAAAGTGCATCCAGCTCTACGAGACCACGGTGGTACGACACGGCCTCATGCTCGTC[G>C]GGCCCACAGGCTCCGGCAAGAGTACTGTAAGCAGAGCCAAGCTTGGCAGCCAGTGTCCGG-3'
Protein context (NP_056327.4, residues 1852-1872): TVVRHGLMLV[Gly1862Arg]PTGSGKSTCY

ClinVar aggregate classification (germline): Uncertain significance (1 of 4 stars; one submission).

Conditions:
Spermatogenic failure 18. Identifiers: MedGen C4539783, MONDO:0054615, OMIM 617576.
Ciliary dyskinesia, primary, 37 (CILD37). Also called: CILIARY DYSKINESIA, PRIMARY, 37, WITH OR WITHOUT SITUS INVERSUS. Identifiers: MedGen C4539798, MONDO:0033204, OMIM 617577.

Allele frequency attached by ClinVar (database versions not stated): TOPMed 0.00006.
gnomAD v4.1: 10 of 1,599,916 alleles (0.00063%); highest among the groups gnomAD compares: Non-Finnish European, 0.00085%; no homozygotes.

Submission:

Labcorp Genetics (formerly Invitae), Labcorp
Classification: Uncertain significance for Ciliary dyskinesia, primary, 37; Spermatogenic failure 18. Last evaluated: 2021-08-24. Review status: criteria provided, single submitter. Criteria: Invitae Variant Classification Sherloc (09022015). Collection method: clinical testing. Allele origin: germline.
Comment: This sequence change replaces glycine with arginine at codon 1862 of the DNAH1 protein (p.Gly1862Arg). The glycine residue is highly conserved and there is a moderate physicochemical difference between glycine and arginine. The frequency data for this variant in the population databases is considered unreliable, as metrics indicate poor data quality at this position in the ExAC database. This variant has not been reported in the literature in individuals affected with DNAH1-related conditions. Algorithms developed to predict the effect of missense changes on protein structure and function (SIFT, PolyPhen-2, Align-GVGD) all suggest that this variant is likely to be disruptive. In summary, the available evidence is currently insufficient to determine the role of this variant in disease. Therefore, it has been classified as a Variant of Uncertain Significance.